The following is an entry in ClinVar:

NM_002224.4(ITPR3):c.309A>G (p.Gln103=)

Gene: ITPR3 (inositol 1,4,5-trisphosphate receptor type 3; plus strand). Cytogenetic location: 6p21.31.
Variant type: single nucleotide variant.
Coding change: c.309A>G on transcript NM_002224.4 (MANE Select); coding-DNA position 309, A replaced by G.
Protein change: p.Gln103=; no amino-acid change (glutamine 103 retained).
Molecular consequence: synonymous variant.
Genome position (GRCh38, 1-based): chr6:33,657,958, A>G. VCF-style: chr6-33657958-A-G. GRCh37 (hg19) VCF-style: chr6-33625735-A-G.
Other names: c.309A>G (NM_002224.3).
Identifiers: ClinVar variation 2656492 (VCV002656492.25), dbSNP rs142845743, ClinGen allele CA3759886.
Genomic context (GRCh38, chr6:33,657,958, plus strand): 5'-AGCCCACCCTTCACTTCTGTGTGTGTCTGTGCAGCATGCGGCGCAGATGGAGCAGAAGCA[A>G]AATGACACGGAGAACAAGAAGGTGCATGGGGATGTCGTGAAGTATGGCAGTGTGATCCAG-3'
Protein context (NP_002215.2, residues 93-113): LQHAAQMEQK[Gln103=]NDTENKKVHG

ClinVar aggregate classification (germline): Likely benign. Review status: criteria provided, single submitter (1 of 4 stars). 2 submissions from 2 submitters: Likely benign (1). 1 of the submissions does not count toward it. Last evaluated 2026-06-01.

Conditions:
ITPR3-related disorder. Also called: ITPR3-related condition.

Allele frequency attached by ClinVar (database versions not stated): ESP Exome Variant Server 0.00161.
gnomAD v4.1: 2,111 of 1,613,714 alleles (0.13%); highest among the groups gnomAD compares: Non-Finnish European, 0.17%; 2 homozygotes.

Submissions (2):

CeGaT Center for Human Genetics Tuebingen
Classification: Likely benign. Last evaluated: 2026-06-01. Review status: criteria provided, single submitter. Criteria: CeGaT Center For Human Genetics Tuebingen Variant Classification Criteria Version 2. Collection method: clinical testing. Allele origin: germline. Affected: yes. Observed: 4 variant alleles.
Comment: ITPR3: BP4, BP7

PreventionGenetics, part of Exact Sciences
Classification: Likely benign for ITPR3-related condition. Last evaluated: 2019-09-19. Review status: no assertion criteria provided. Collection method: clinical testing. Allele origin: germline. Not counted in ClinVar's aggregate classification.
Comment: This variant is classified as likely benign based on ACMG/AMP sequence variant interpretation guidelines (Richards et al. 2015 PMID: 25741868, with internal and published modifications).